The following is an entry in ClinVar:

NM_014855.3(AP5Z1):c.*1039G>C

Gene: AP5Z1 (adaptor related protein complex 5 subunit zeta 1; plus strand). Cytogenetic location: 7p22.1.
Variant type: single nucleotide variant.
Coding change: c.*1039G>C on transcript NM_014855.3 (MANE Select); 1039 bases downstream of the stop codon, G replaced by C.
Molecular consequence: 3 prime UTR variant. On other transcripts: non-coding transcript variant (1).
Genome position (GRCh38, 1-based): chr7:4,792,424, G>C. VCF-style: chr7-4792424-G-C. GRCh37 (hg19) VCF-style: chr7-4832055-G-C.
Other names: c.*1039G>C (LRG_1247t1, NM_001364858.1).
Identifiers: ClinVar variation 360372 (VCV000360372.5), dbSNP rs115180718, ClinGen allele CA10629180.

ClinVar aggregate classification (germline): Likely benign (1 of 4 stars; one submission).

Conditions:
Hereditary spastic paraplegia 48. Also called: SPASTIC PARAPLEGIA 48, AUTOSOMAL RECESSIVE; Spastic paraplegia 48. Identifiers: Orphanet 306511, MedGen C3150901, MONDO:0013342, OMIM 613647.

Allele frequency attached by ClinVar (database versions not stated): 1000 Genomes Project 0.02476; 1000 Genomes Project 30x 0.02733; TOPMed 0.02896.

Submission:

Illumina Laboratory Services, Illumina
Classification: Likely benign for Hereditary spastic paraplegia 48. Last evaluated: 2017-04-28. Review status: criteria provided, single submitter. Criteria: ICSL Variant Classification Criteria 13 December 2019. Collection method: clinical testing. Allele origin: germline.
Comment: This variant was observed as part of a predisposition screen in an ostensibly healthy population. A literature search was performed for the gene, cDNA change, and amino acid change (where applicable). No publications were found based on this search. Allele frequency data from public databases allowed determination this variant is unlikely to cause disease. Therefore, this variant is classified as likely benign.